The following is an entry in ClinVar:

ClinVar aggregate classification (germline): Uncertain significance (1 of 4 stars; one submission).

Submission:

GeneDx
Classification: Uncertain significance. Last evaluated: 2024-11-20. Review status: criteria provided, single submitter. Criteria: GeneDx Variant Classification Process June 2021. Collection method: clinical testing. Allele origin: germline. Affected: yes.
Comment: Not observed at significant frequency in large population cohorts (gnomAD); In silico analysis supports that this missense variant has a deleterious effect on protein structure/function; Has not been previously published as pathogenic or benign to our knowledge

NM_001040716.2(PC):c.1204G>A (p.Gly402Ser)

Gene: PC (pyruvate carboxylase; minus strand). Cytogenetic location: 11q13.2.
Variant type: single nucleotide variant.
Coding change: c.1204G>A on transcript NM_001040716.2 (MANE Select); coding-DNA position 1204, G replaced by A.
Protein change: p.Gly402Ser; replaces glycine 402 with serine.
Molecular consequence: missense variant.
Genome position (GRCh38, 1-based): chr11:66,863,938, C>T on the plus strand (G>A on the coding strand, the complement: PC is on the minus strand). VCF-style: chr11-66863938-C-T. GRCh37 (hg19) VCF-style: chr11-66631409-C-T.
Other names: c.1204G>A, p.Gly402Ser (NM_000920.4, NM_022172.3); short protein forms G402S.
Identifiers: ClinVar variation 3900365 (VCV003900365.1).